The following is an entry in ClinVar:

NM_007194.4(CHEK2):c.275C>T (p.Pro92Leu)

Gene: CHEK2 (checkpoint kinase 2; minus strand). Cytogenetic location: 22q12.1.
Variant type: single nucleotide variant.
Coding change: c.275C>T on transcript NM_007194.4 (MANE Select); coding-DNA position 275, C replaced by T.
Protein change: p.Pro92Leu; replaces proline 92 with leucine.
Molecular consequence: missense variant.
Genome position (GRCh38, 1-based): chr22:28,734,447, G>A on the plus strand (C>T on the coding strand, the complement: CHEK2 is on the minus strand). VCF-style: chr22-28734447-G-A. GRCh37 (hg19) VCF-style: chr22-29130435-G-A.
Other names: c.275C>T, p.Pro92Leu (NM_001349956.3, NM_145862.3, NM_001005735.3); c.-503C>T (NM_001257387.3); short protein forms P92L.
Identifiers: ClinVar variation 410059 (VCV000410059.24), dbSNP rs779269031, ClinGen allele CA10168051.
Genomic context (GRCh38, chr22:28,734,447, plus strand): 5'-CAACAAAGGGTCTTACCAAGATTGGCAAATCCATCCTGAAGGGCCCATAATCGAGCCCAG[G>A]GGGCAGGGGTAGGCTCCTCAGGTTCTTGGTCCTCAGGTTCTTGGTCCTCAGGAATAGAAT-3'
Protein context (NP_009125.1, residues 82-102): DQEPEEPTPA[Pro92Leu]WARLWALQDG

ClinVar aggregate classification (germline): Uncertain significance. Review status: criteria provided, multiple submitters, no conflicts (2 of 4 stars). 4 submissions from 4 submitters: Uncertain significance (3). 1 of the submissions does not count toward it. Last evaluated 2025-10-28.

Conditions:
Hereditary cancer-predisposing syndrome. Also called: Tumor predisposition; Hereditary Cancer Syndrome; Hereditary neoplastic syndrome; Neoplastic Syndromes, Hereditary. Identifiers: Orphanet 140162, MedGen C0027672, MeSH D009386, MONDO:0015356.
Familial cancer of breast. Also called: BREAST CANCER, FAMILIAL; Hereditary breast cancer; hereditary breast carcinoma. Identifiers: Orphanet 227535, MedGen C0346153, MONDO:0016419, OMIM 114480. Disease mechanism: loss of function.
Malignant tumor of breast. Also called: Malignant breast neoplasm; Cancer breast. Identifiers: MedGen C0006142, MONDO:0007254. Disease mechanism: loss of function.

Allele frequency attached by ClinVar (database versions not stated): TOPMed 0.00001; ExAC 0.00002; gnomAD exomes 0.00002.
gnomAD v4.1: 7 of 1,614,016 alleles (0.00043%); highest among the groups gnomAD compares: Non-Finnish European, 0.00051%; no homozygotes.

Submissions (4):

Labcorp Genetics (formerly Invitae), Labcorp
Classification: Uncertain significance for Familial cancer of breast. Last evaluated: 2025-10-28. Review status: criteria provided, single submitter. Criteria: Invitae Variant Classification Sherloc (09022015). Collection method: clinical testing. Allele origin: germline.
Comment: This sequence change replaces proline, which is neutral and non-polar, with leucine, which is neutral and non-polar, at codon 92 of the CHEK2 protein (p.Pro92Leu). This variant is present in population databases (rs779269031, gnomAD 0.003%). This missense change has been observed in individual(s) with breast cancer (PMID: 26976419). ClinVar contains an entry for this variant (Variation ID: 410059). An algorithm developed to predict the effect of missense changes on protein structure and function (PolyPhen-2) suggests that this variant is likely to be tolerated. Experimental studies have shown that this missense change does not substantially affect CHEK2 function (PMID: 37449874). In summary, the available evidence is currently insufficient to determine the role of this variant in disease. Therefore, it has been classified as a Variant of Uncertain Significance.

Ambry Genetics
Classification: Uncertain significance for Hereditary cancer-predisposing syndrome. Last evaluated: 2025-10-23. Review status: criteria provided, single submitter. Criteria: Ambry Variant Classification Scheme 2023. Collection method: clinical testing. Allele origin: germline.
Comment: The p.P92L variant (also known as c.275C>T), located in coding exon 1 of the CHEK2 gene, results from a C to T substitution at nucleotide position 275. The proline at codon 92 is replaced by leucine, an amino acid with similar properties. This alteration has been reported in a cohort of 488 patients with stages I to III breast cancer who were tested with a 25-gene panel test (Tung N et al. J Clin Oncol, 2016 May;34:1460-8). This variant was also observed in 2/3251 individuals who met eligibility criteria for hereditary breast and ovarian cancer syndrome (Lerner-Ellis J et al. J Cancer Res Clin Oncol, 2021 Mar;147:871-879). This alteration was reported as functional in a study assessing CHEK2-complementation through quantification of KAP1 phosphorylation and CHK2 autophosphorylation in human RPE1-CHEK2-knockout cells (Stolarova L et al. Clin Cancer Res, 2023 Jul;:OF1-OF14). This amino acid position is well conserved in available vertebrate species. In addition, the in silico prediction for this alteration is inconclusive. Since supporting evidence is limited at this time, the clinical significance of this alteration remains unclear.

Color Diagnostics, LLC DBA Color Health
Classification: Uncertain significance for Hereditary cancer-predisposing syndrome. Last evaluated: 2019-04-30. Review status: criteria provided, single submitter. Criteria: ACMG Guidelines, 2015. Collection method: clinical testing. Allele origin: germline.

Department of Pathology and Laboratory Medicine, Sinai Health System
Classification: Uncertain significance for Malignant tumor of breast. Review status: no assertion criteria provided. Collection method: clinical testing. Allele origin: unknown. Affected: yes. Study: The Canadian Open Genetics Repository (COGR). Not counted in ClinVar's aggregate classification.
Comment: The CHEK2 p.Pro92Leu variant was identified in 1 of 976 proband chromosomes (frequency: 0.001) from individuals or families with stage I to III breast cancer and was listed as uncertain significance in this study (Tung 2016). The variant was also identified in dbSNP (ID: rs779269031) as â€šÃ„ÃºWith Uncertain significanceâ€šÃ„Ã¹, ClinVar (1x, as uncertain significance, by Invitae), Clinvitae (1x as uncertain significance), Cosmic (reported 2x, in skin with malignant melanoma and carcinoma). The variant was not identified in MutDB or the Zhejiang Colon Cancer Database. The variant was identified in control databases in 4 of 246194 chromosomes at a frequency of 0.000016 (Genome Aggregation Consortium Feb 27, 2017)". In addition the p.Pro92 variant was identified with a different substitution and amino acid consequence (c.275C>G, p.Pro329Arg), in the literature in a cohort of BRCA1/2-negative early-onset and familial breast and/or ovarian cancer patients from Pakistan, as potentially deleterious (Rashid 2013). The p.Pro92Arg variant was not identified in control databases. The p.Pro92 residue is conserved across mammals and other organisms, and computational analyses (PolyPhen-2, SIFT, AlignGVGD, BLOSUM, MutationTaster) suggest that the variant may impact the protein; however, this information is not predictive enough to assume pathogenicity. The c.275C>T variant occurs outside of the splicing consensus sequence and in silico or computational prediction software programs (SpliceSiteFinder, MaxEntScan, NNSPLICE, GeneSplicer, HumanSpliceFinder) do not predict a difference in splicing. In summary, based on the above information the clinical significance of this variant cannot be determined with certainty at this time. This variant is classified as a variant of uncertain significance.

Literature cited by the submitters: PubMed 26976419 (cited by Labcorp Genetics (formerly Invitae), Labcorp and Ambry Genetics); PubMed 37449874 (cited by Labcorp Genetics (formerly Invitae), Labcorp and Ambry Genetics); PubMed 32885271 (cited by Ambry Genetics).